The following is an entry in ClinVar:

ClinVar aggregate classification (germline): Pathogenic (1 of 4 stars; one submission).

Conditions:
XPO1-associated Neurodevelopmental Disorder.

Submission:

Genome Diagnostics Laboratory, University Medical Center Utrecht
Classification: Pathogenic for XPO1-associated Neurodevelopmental Disorder. Last evaluated: 2025-07-21. Review status: criteria provided, single submitter. Criteria: ACMG Guidelines, 2015. Collection method: research. Allele origin: germline. Affected: yes.
Comment: ACMG/AMP (Richards et al, 2015): PVS1, PS2, PM2

NM_003400.4(XPO1):c.2022+886_2314-728del

Gene: XPO1 (exportin 1; minus strand). Cytogenetic location: 2p15.
Variant type: Deletion.
Coding change: c.2022+886_2314-728del on transcript NM_003400.4 (MANE Select); 886 bases into the intron after coding-DNA position 2022 through 728 bases into the intron before coding-DNA position 2314, 3,067 bases deleted.
Molecular consequence: splice acceptor variant, splice donor variant.
Genome position (GRCh38, 1-based): chr2:61,486,690-61,489,756, 3,067 bases deleted. GRCh37 (hg19): chr2:61,713,826-61,716,892.
Other names: c.1888-985_2179-728del (NM_001410799.1).
Identifiers: ClinVar variation 4073412 (VCV004073412.1).